The following is an entry in ClinVar:

NM_022051.3(EGLN1):c.209G>A (p.Gly70Asp)

Gene: EGLN1 (egl-9 family hypoxia inducible factor 1; minus strand). Cytogenetic location: 1q42.2.
Variant type: single nucleotide variant.
Coding change: c.209G>A on transcript NM_022051.3 (MANE Select); coding-DNA position 209, G replaced by A.
Protein change: p.Gly70Asp; replaces glycine 70 with aspartic acid.
Molecular consequence: missense variant.
Genome position (GRCh38, 1-based): chr1:231,421,680, C>T on the plus strand (G>A on the coding strand, the complement: EGLN1 is on the minus strand). VCF-style: chr1-231421680-C-T. GRCh37 (hg19) VCF-style: chr1-231557426-C-T.
Other names: c.209G>A, p.Gly70Asp (NM_001377260.1, NM_001377261.1); short protein forms G70D.
Identifiers: ClinVar variation 2152967 (VCV002152967.4), dbSNP rs774670831, ClinGen allele CA1453192.

ClinVar aggregate classification (germline): Uncertain significance (1 of 4 stars; one submission).

Conditions:
Erythrocytosis, familial, 3 (ECYT3). Identifiers: Orphanet 247511, MedGen C1853286, MONDO:0012353, OMIM 609820.

Allele frequency attached by ClinVar (database versions not stated): ExAC 0.00009.
gnomAD v4.1: 2 of 1,502,558 alleles (0.00013%); highest among the groups gnomAD compares: South Asian, 0.0012%; no homozygotes.

Submission:

Labcorp Genetics (formerly Invitae), Labcorp
Classification: Uncertain significance for Erythrocytosis, familial, 3. Last evaluated: 2022-10-19. Review status: criteria provided, single submitter. Criteria: Invitae Variant Classification Sherloc (09022015). Collection method: clinical testing. Allele origin: germline.
Comment: The frequency data for this variant in the population databases is considered unreliable, as metrics indicate poor data quality at this position in the gnomAD database. In summary, the available evidence is currently insufficient to determine the role of this variant in disease. Therefore, it has been classified as a Variant of Uncertain Significance. Algorithms developed to predict the effect of missense changes on protein structure and function are either unavailable or do not agree on the potential impact of this missense change (SIFT: "Tolerated"; PolyPhen-2: "Probably Damaging"; Align-GVGD: "Class C0"). This variant has not been reported in the literature in individuals affected with EGLN1-related conditions. This sequence change replaces glycine, which is neutral and non-polar, with aspartic acid, which is acidic and polar, at codon 70 of the EGLN1 protein (p.Gly70Asp).